The following is an entry in ClinVar:

NM_007294.4(BRCA1):c.5108A>C (p.Tyr1703Ser)

Gene: BRCA1 (BRCA1 DNA repair associated; minus strand). Cytogenetic location: 17q21.31.
Variant type: single nucleotide variant.
Coding change: c.5108A>C on transcript NM_007294.4 (MANE Select); coding-DNA position 5108, A replaced by C.
Protein change: p.Tyr1703Ser; replaces tyrosine 1703 with serine.
Molecular consequence: missense variant. On other transcripts: non-coding transcript variant (1).
Genome position (GRCh38, 1-based): chr17:43,063,918, T>G on the plus strand (A>C on the coding strand, the complement: BRCA1 is on the minus strand). VCF-style: chr17-43063918-T-G. GRCh37 (hg19) VCF-style: chr17-41215935-T-G.
Other names: c.4895A>C, p.Tyr1632Ser (NM_001407571.1, NM_001407898.1, NM_001407899.1 and 12 more transcripts); c.5174A>C, p.Tyr1725Ser (NM_001407581.1, NM_001407582.1); c.5171A>C, p.Tyr1724Ser (NM_001407583.1, NM_001407585.1, NM_001407587.1 and 1 more transcripts); c.5168A>C, p.Tyr1723Ser (NM_001407590.1, NM_001407591.1); c.5108A>C, p.Tyr1703Ser (NM_001407593.1, NM_001407594.1, NM_001407596.1 and 7 more transcripts); c.5105A>C, p.Tyr1702Ser (NM_001407610.1, NM_001407611.1, NM_001407612.1 and 17 more transcripts); c.5102A>C, p.Tyr1701Ser (NM_001407627.1, NM_001407628.1, NM_001407629.1 and 14 more transcripts); c.5099A>C, p.Tyr1700Ser (NM_001407645.1, NM_001407644.1); and 71 more; short protein forms Y1656S, Y1724S, Y1703S, Y599S, Y1591S, Y1613S, Y1615S, Y1631S.
Identifiers: ClinVar variation 869036 (VCV000869036.3), dbSNP rs876660071, ClinGen allele CA10591314.

Conditions:
Breast-ovarian cancer, familial, susceptibility to, 1 (BROVCA1). Also called: BRCA1 Hereditary Breast and Ovarian Cancer; OVARIAN CANCER, SUSCEPTIBILITY TO. Identifiers: Orphanet 145, MedGen C2676676, MONDO:0011450, OMIM 604370. Disease mechanism: loss of function.

Submission:

Brotman Baty Institute, University of Washington
No classification provided (evidence only). Condition: Breast-ovarian cancer, familial 1. Review status: no classification provided. Collection method: in vitro. Allele origin: not applicable. Functional consequence: functionally_abnormal.
ClinVar note: "not provided" was previously submitted as the classification for the variant. However, the classification appeared to be based only on an observation of functional data so it was converted to no classification on 2025-07-30.